The following is an entry in ClinVar:

ClinVar aggregate classification (germline): Uncertain significance. Review status: criteria provided, multiple submitters, no conflicts (2 of 4 stars). 3 submissions from 3 submitters: Uncertain significance (3). Last evaluated 2024-12-15.

Conditions:
Hereditary cancer-predisposing syndrome. Also called: Hereditary Cancer Syndrome; Neoplastic Syndromes, Hereditary; Hereditary neoplastic syndrome; Tumor predisposition. Identifiers: Orphanet 140162, MedGen C0027672, MeSH D009386, MONDO:0015356.
Ataxia-telangiectasia syndrome (AT). Also called: Cerebello-oculocutaneous telangiectasia; Immunodeficiency with ataxia telangiectasia; Ataxia-telangiectasia, complementation group E; Ataxia-telangiectasia, complementation group D; AT, COMPLEMENTATION GROUP C; ATAXIA-TELANGIECTASIA, COMPLEMENTATION GROUP A. Identifiers: Orphanet 100, MedGen C0004135, MONDO:0008840, OMIM 208900.

Allele frequency attached by ClinVar (database versions not stated): gnomAD exomes below 0.00001; TOPMed below 0.00001.
gnomAD v4.1: 1 of 1,613,986 alleles (0.000062%); highest among the groups gnomAD compares: Non-Finnish European, 0.000085%; no homozygotes.

Submissions (3):

Labcorp Genetics (formerly Invitae), Labcorp
Classification: Uncertain significance for Ataxia-telangiectasia syndrome. Last evaluated: 2024-12-15. Review status: criteria provided, single submitter. Criteria: Invitae Variant Classification Sherloc (09022015). Collection method: clinical testing. Allele origin: germline.
Comment: This sequence change replaces proline, which is neutral and non-polar, with serine, which is neutral and polar, at codon 862 of the ATM protein (p.Pro862Ser). This variant is not present in population databases (gnomAD no frequency). This variant has not been reported in the literature in individuals affected with ATM-related conditions. ClinVar contains an entry for this variant (Variation ID: 821522). Invitae Evidence Modeling of protein sequence and biophysical properties (such as structural, functional, and spatial information, amino acid conservation, physicochemical variation, residue mobility, and thermodynamic stability) indicates that this missense variant is not expected to disrupt ATM protein function with a negative predictive value of 95%. In summary, the available evidence is currently insufficient to determine the role of this variant in disease. Therefore, it has been classified as a Variant of Uncertain Significance.

Ambry Genetics
Classification: Uncertain significance for Hereditary cancer-predisposing syndrome. Last evaluated: 2023-12-22. Review status: criteria provided, single submitter. Criteria: Ambry Variant Classification Scheme 2023. Collection method: clinical testing. Allele origin: germline.
Comment: The p.P862S variant (also known as c.2584C>T), located in coding exon 16 of the ATM gene, results from a C to T substitution at nucleotide position 2584. The proline at codon 862 is replaced by serine, an amino acid with similar properties. This amino acid position is poorly conserved in available vertebrate species. In addition, this alteration is predicted to be tolerated by in silico analysis. Since supporting evidence is limited at this time, the clinical significance of this alteration remains unclear.

Sema4
Classification: Uncertain significance for Hereditary cancer-predisposing syndrome. Last evaluated: 2021-11-23. Review status: criteria provided, single submitter. Criteria: Sema4 Curation Guidelines. Collection method: curation. Allele origin: germline.
Comment: The ATM c.2584C>T (p.P862S) variant has not been reported in the literature in individuals with ATM-related conditions. It was not observed in the large and broad cohorts of the Genome Aggregation Database (PMID: 32461654). This variant has been reported in ClinVar (Variation ID 821522). In silico tools suggest the impact of the variant on protein function is benign, though these predictions have not been confirmed by functional studies. The evidence is insufficient to meet ACMG/AMP criteria for classifying the variant as benign or pathogenic. Thus, the clinical significance of this variant is currently uncertain.

NM_000051.4(ATM):c.2584C>T (p.Pro862Ser)

Gene: ATM (ATM serine/threonine kinase; plus strand). Cytogenetic location: 11q22.3.
Variant type: single nucleotide variant.
Coding change: c.2584C>T on transcript NM_000051.4 (MANE Select); coding-DNA position 2584, C replaced by T.
Protein change: p.Pro862Ser; replaces proline 862 with serine.
Molecular consequence: missense variant.
Genome position (GRCh38, 1-based): chr11:108,267,288, C>T. VCF-style: chr11-108267288-C-T. GRCh37 (hg19) VCF-style: chr11-108138015-C-T.
Other names: c.2584C>T, p.Pro862Ser (NM_001351834.2); short protein forms P862S.
Identifiers: ClinVar variation 821522 (VCV000821522.15), dbSNP rs876660537, ClinGen allele CA382543974.
Genomic context (GRCh38, chr11:108,267,288, plus strand): 5'-ACTAATGGAAATCTAATGGAGGTGGAGGATCAGTCATCCATGAATCTATTTAACGATTAC[C>T]CTGATAGTAGTGTTAGTGATGCAAACGAACCTGGAGAGAGCCAAAGTACCATAGGTAAAT-3'
Protein context (NP_000042.3, residues 852-872): QSSMNLFNDY[Pro862Ser]DSSVSDANEP